The following is an entry in ClinVar:

ClinVar aggregate classification (germline): Likely pathogenic. Review status: criteria provided, multiple submitters, no conflicts (2 of 4 stars). 2 submissions from 2 submitters: Likely pathogenic (2). Last evaluated 2025-03-21.

Conditions:
Aspartylglucosaminuria (AGU). Also called: Aspartylglucos-aminuria; Aspartylglucos-amidase (AGA) deficiency; AGA DEFICIENCY; GLYCOASPARAGINASE; GLYCOSYLASPARAGINASE DEFICIENCY. Identifiers: Orphanet 93, MedGen C0268225, MONDO:0008830, OMIM 208400, HP:0012068.

Submissions (2):

Natera, Inc.
Classification: Likely pathogenic for Aspartylglucosaminuria. Last evaluated: 2025-03-21. Review status: criteria provided, single submitter. Criteria: Natera Variant Classification Schema (03/2026). Collection method: clinical testing. Allele origin: germline.
Comment: The c.127+1G>T variant in AGA is a canonical splice donor site variant predicted to affect pre-mRNA splicing, which may result in an abnormal transcript and altered protein product. This variant is expected to result in nonsense mediated decay, truncation, or a dysfunctional protein product. This variant is rare in the general population with a frequency below the threshold expected for the associated phenotype(s). Given the available evidence, this variant is classified as Likely Pathogenic.

Baylor Genetics
Classification: Likely pathogenic for Aspartylglucosaminuria. Last evaluated: 2023-12-01. Review status: criteria provided, single submitter. Criteria: ACMG Guidelines, 2015. Collection method: clinical testing. Allele origin: unknown.

NM_000027.4(AGA):c.127+1G>T

Gene: AGA (aspartylglucosaminidase; minus strand). Cytogenetic location: 4q34.3.
Variant type: single nucleotide variant.
Coding change: c.127+1G>T on transcript NM_000027.4 (MANE Select); the canonical splice donor site of the intron after coding-DNA position 127, G replaced by T.
Molecular consequence: splice donor variant.
Genome position (GRCh38, 1-based): chr4:177,442,248, C>A on the plus strand (G>T on the coding strand, the complement: AGA is on the minus strand). VCF-style: chr4-177442248-C-A. GRCh37 (hg19) VCF-style: chr4-178363402-C-A.
Other names: c.127+1G>T (NM_000027.3, NM_001171988.2).
Identifiers: ClinVar variation 3241117 (VCV003241117.3), dbSNP rs1057516565.